The following is an entry in ClinVar:

NM_001077365.2(POMT1):c.699+24C>A

Gene: POMT1 (protein O-mannosyltransferase 1; plus strand). Cytogenetic location: 9q34.13.
Variant type: single nucleotide variant.
Coding change: c.699+24C>A on transcript NM_001077365.2 (MANE Select); 24 bases into the intron after coding-DNA position 699, C replaced by A.
Molecular consequence: intron variant. On other transcripts: nonsense (7), non-coding transcript variant (1).
Genome position (GRCh38, 1-based): chr9:131,510,020, C>A. VCF-style: chr9-131510020-C-A. GRCh37 (hg19) VCF-style: chr9-134385407-C-A.
Other names: c.723C>A, p.Cys241Ter (NM_001353193.2, NM_007171.4); c.561C>A, p.Cys187Ter (NM_001353197.2, NM_001353198.2, NM_001374689.1); c.372C>A, p.Cys124Ter (NM_001353199.2); c.267C>A, p.Cys89Ter (NM_001374695.1); c.699+24C>A (NM_001136113.2, NM_001374690.1); c.537+24C>A (NM_001353194.2, NM_001077366.2, NM_001374693.1); c.348+24C>A (NM_001374691.1, NM_001353195.2, NM_001374692.1 and 1 more transcripts); c.609+24C>A (NM_001353196.2); and 2 more; short protein forms C124*, C187*, C241*, C89*.
Identifiers: ClinVar variation 2678011 (VCV002678011.5), dbSNP rs764724167, ClinGen allele CA5293376.

ClinVar aggregate classification (germline): Conflicting classifications of pathogenicity. Review status: criteria provided, conflicting classifications (1 of 4 stars). 2 submissions from 2 submitters: Pathogenic (1); Uncertain significance (1). Last evaluated 2025-04-11.

Conditions:
Muscular dystrophy-dystroglycanopathy (congenital with brain and eye anomalies), type A1 (MDDGA1). Also called: COD-MD SYNDROME; Muscular dystrophy-dystroglycanopathy (congenital with brain and eye anomalies), type A, 1; WALKER-WARBURG SYNDROME OR MUSCLE-EYE-BRAIN DISEASE, POMT1-RELATED; Hydrocephalus, agyria and retinal dysplasia; Hard +/- E syndrome; Warburg syndrome. Identifiers: Orphanet 588, Orphanet 899, MedGen C4284790, MONDO:0009364, OMIM 236670.
Muscular dystrophy-dystroglycanopathy (congenital with impaired intellectual development), type B, 1. Also called: MUSCULAR DYSTROPHY, CONGENITAL, POMT1-RELATED; Muscular dystrophy-dystroglycanopathy (congenital with intellectual disability), type B1. Identifiers: MedGen C5436962, MONDO:0013159, OMIM 613155.
Walker-Warburg congenital muscular dystrophy. Also called: Muscular dystrophy-dystroglycanopathy, type A; Walker-Warburg syndrome. Identifiers: Orphanet 899, MedGen C0265221, MONDO:0000171.
Autosomal recessive limb-girdle muscular dystrophy type 2K. Also called: MUSCULAR DYSTROPHY-DYSTROGLYCANOPATHY (LIMB-GIRDLE), TYPE C, 1; MUSCULAR DYSTROPHY, LIMB-GIRDLE, TYPE 2K. Identifiers: Orphanet 86812, MedGen C1836373, MONDO:0012248, OMIM 609308.

Allele frequency attached by ClinVar (database versions not stated): gnomAD exomes below 0.00001; TOPMed below 0.00001; ExAC 0.00001.
gnomAD v4.1: 2 of 1,614,216 alleles (0.00012%); highest among the groups gnomAD compares: Non-Finnish European, 0.00017%; no homozygotes.

Submissions (2):

Baylor Genetics
Classification: Uncertain significance for Muscular dystrophy-dystroglycanopathy (congenital with brain and eye anomalies), type A1. Last evaluated: 2025-04-11. Review status: criteria provided, single submitter. Criteria: ACMG Guidelines, 2015. Collection method: clinical testing. Allele origin: unknown.
Comment: Classified VUS because we curate POMT1 exon 8 variants with regard to MANE isoform NM_001077365.2, not NM_007171.4. Splicing algorithms agree with MANE, showing that the natural splicing site is expected to be after c.699. And this conclusion is strengthened by the benign nature of NM_007171.4(POMT1):c.751C>T(p.Gln251Ter) which is also known as NM_001077365.2(POMT1):c.699+52C>T in ClinVar 95466.

Labcorp Genetics (formerly Invitae), Labcorp
Classification: Pathogenic for Muscular dystrophy-dystroglycanopathy (congenital with impaired intellectual development), type B, 1; Walker-Warburg congenital muscular dystrophy; Autosomal recessive limb-girdle muscular dystrophy type 2K. Last evaluated: 2023-09-22. Review status: criteria provided, single submitter. Criteria: Invitae Variant Classification Sherloc (09022015). Collection method: clinical testing. Allele origin: germline.
Comment: For these reasons, this variant has been classified as Pathogenic. This variant has not been reported in the literature in individuals affected with POMT1-related conditions. This variant is not present in population databases (gnomAD no frequency). This sequence change creates a premature translational stop signal (p.Cys241*) in the POMT1 gene. It is expected to result in an absent or disrupted protein product. Loss-of-function variants in POMT1 are known to be pathogenic (PMID: 12369018, 15637732, 16575835).

Literature cited by the submitters: PubMed 12369018 (cited by Labcorp Genetics (formerly Invitae), Labcorp); PubMed 15637732 (cited by Labcorp Genetics (formerly Invitae), Labcorp); PubMed 16575835 (cited by Labcorp Genetics (formerly Invitae), Labcorp).